The following is an entry in ClinVar:

NM_000092.5(COL4A4):c.4766C>T (p.Pro1589Leu)

Gene: COL4A4 (collagen type IV alpha 4 chain; minus strand). Cytogenetic location: 2q36.3.
Variant type: single nucleotide variant.
Coding change: c.4766C>T on transcript NM_000092.5 (MANE Select); coding-DNA position 4766, C replaced by T.
Protein change: p.Pro1589Leu; replaces proline 1589 with leucine.
Molecular consequence: missense variant.
Genome position (GRCh38, 1-based): chr2:227,008,061, G>A on the plus strand (C>T on the coding strand, the complement: COL4A4 is on the minus strand). VCF-style: chr2-227008061-G-A. GRCh37 (hg19) VCF-style: chr2-227872777-G-A.
Other names: short protein forms P1589L.
Identifiers: ClinVar variation 1693294 (VCV001693294.4), dbSNP rs768974023, ClinGen allele CA2144074.
Genomic context (GRCh38, chr2:227,008,061, plus strand): 5'-AAGGGCACGGGACTCACCATCAGGAATGAATACCCGATCCAGAGGCTCCTCCAGGTCTGC[G>A]GACATGGGGGGATGGACTGGTCCTGGCTGTGCACCGCCACCGCCTGGGCCGGGGCCTCGC-3'
Protein context (NP_000083.3, residues 1579-1599): HSQDQSIPPC[Pro1589Leu]QTWRSLWIGY

ClinVar aggregate classification (germline): Uncertain significance. Review status: criteria provided, multiple submitters, no conflicts (2 of 4 stars). 2 submissions from 2 submitters: Uncertain significance (2). Last evaluated 2024-09-10.

Conditions:
Autosomal recessive Alport syndrome (ATS2). Also called: COL4A3-Related Nephropathy; Alport syndrome type 2; ALPORT SYNDROME 2, AUTOSOMAL RECESSIVE; COL4A4 Alport Syndrome and Thin Basement Membrane Nephropathy. Identifiers: Orphanet 63, Orphanet 88919, MedGen C4746745, MONDO:0008762, OMIM 203780.

Allele frequency attached by ClinVar (database versions not stated): TOPMed below 0.00001; gnomAD 0.00001; gnomAD exomes 0.00001 and 0.00004; ExAC 0.00007.
gnomAD v4.1: 12 of 1,613,726 alleles (0.00074%); highest among the groups gnomAD compares: African/African-American, 0.0013%; no homozygotes.

Submissions (2):

Blueprint Genetics
Classification: Uncertain significance. Last evaluated: 2024-09-10. Review status: criteria provided, single submitter. Criteria: ACMG Guidelines, 2015. Collection method: clinical testing. Allele origin: germline.

Illumina Laboratory Services, Illumina
Classification: Uncertain significance for Autosomal recessive Alport syndrome. Last evaluated: 2021-12-16. Review status: criteria provided, single submitter. Criteria: ICSLVariantClassificationCriteria RUGD 01 April 2020. Collection method: clinical testing. Allele origin: unknown.
Comment: The COL4A4 c.4766C>T (p.Pro1589Leu) missense variant results in the substitution of proline at amino acid position 1589 with leucine. This variant has been reported in trans with a splice donor variant in one individual with Alport syndrome (Zhang et al. 2021). No information was provided about heterozygous carriers of the c.4766C>T variant. This variant is reported in the Genome Aggregation Database in six alleles at a frequency of 0.000053 in the European (non-Finnish) population (version 2.1.1). Multiple lines of computational evidence suggest the variant may have a deleterious effect on the gene or gene product. Based on the available evidence, the c.4766C>T (p.Pro1589Leu) variant is classified as a variant of uncertain significance for Alport syndrome.

Literature cited by the submitters: PubMed 33772369 (cited by Illumina Laboratory Services, Illumina).